The following is an entry in ClinVar:

NM_178012.5(TUBB2B):c.123T>G (p.Asp41Glu)

Gene: TUBB2B (tubulin beta 2B class IIb; minus strand). Cytogenetic location: 6p25.2.
Variant type: single nucleotide variant.
Coding change: c.123T>G on transcript NM_178012.5 (MANE Select); coding-DNA position 123, T replaced by G.
Protein change: p.Asp41Glu; replaces aspartic acid 41 with glutamic acid.
Molecular consequence: missense variant.
Genome position (GRCh38, 1-based): chr6:3,226,604, A>C on the plus strand (T>G on the coding strand, the complement: TUBB2B is on the minus strand). VCF-style: chr6-3226604-A-C. GRCh37 (hg19) VCF-style: chr6-3226838-A-C.
Other names: short protein forms D41E.
Identifiers: ClinVar variation 1702693 (VCV001702693.3), dbSNP rs748385221, ClinGen allele CA362589899.

ClinVar aggregate classification (germline): Uncertain significance (1 of 4 stars; one submission).

Allele frequency attached by ClinVar (database versions not stated): TOPMed below 0.00001.

Submission:

GeneDx
Classification: Uncertain significance. Last evaluated: 2025-06-12. Review status: criteria provided, single submitter. Criteria: GeneDx Variant Classification Process June 2021. Collection method: clinical testing. Allele origin: germline.
Comment: Not observed at significant frequency in large population cohorts (gnomAD); Missense variants in this gene are a common cause of disease and they are underrepresented in the general population; In silico analysis suggests that this missense variant does not alter protein structure/function; Has not been previously published as pathogenic or benign to our knowledge; This variant is associated with the following publications: (PMID: 24860126)